The following is an entry in ClinVar:

ClinVar aggregate classification (germline): Uncertain significance (1 of 4 stars; one submission).

Conditions:
Familial episodic pain syndrome with predominantly lower limb involvement. Also called: Episodic pain syndrome, familial, 3. Identifiers: Orphanet 391384, Orphanet 391392, MedGen C3809899, MONDO:0014247, OMIM 615552.
Hereditary sensory and autonomic neuropathy type 7. Also called: Neuropathy, hereditary sensory and autonomic, type VII; HSAN VII. Identifiers: Orphanet 391397, MedGen C3809882, MONDO:0014244, OMIM 615548.

Submission:

Labcorp Genetics (formerly Invitae), Labcorp
Classification: Uncertain significance for Familial episodic pain syndrome with predominantly lower limb involvement; Hereditary sensory and autonomic neuropathy type 7. Last evaluated: 2023-08-21. Review status: criteria provided, single submitter. Criteria: Invitae Variant Classification Sherloc (09022015). Collection method: clinical testing. Allele origin: unknown.
Comment: Experimental studies and prediction algorithms are not available or were not evaluated, and the functional significance of this variant is currently unknown. This variant is a gross deletion of the genomic region encompassing exon(s) 20 of the SCN11A gene. This variant would be expected to be in-frame, preserving the integrity of the reading frame. This variant has not been reported in the literature in individuals affected with SCN11A-related conditions. In summary, the available evidence is currently insufficient to determine the role of this variant in disease. Therefore, it has been classified as a Variant of Uncertain Significance.

NC_000003.11:g.(?_38913664)_(38913805_?)del

Gene: SCN11A (sodium voltage-gated channel alpha subunit 11; minus strand). Cytogenetic location: 3p22.2.
Variant type: Deletion.
Identifiers: ClinVar variation 3246931 (VCV003246931.1).